The following is an entry in ClinVar:

ClinVar aggregate classification (germline): Conflicting classifications of pathogenicity. Review status: criteria provided, conflicting classifications (1 of 4 stars). 2 submissions from 2 submitters: Likely pathogenic (1); Uncertain significance (1). Last evaluated 2016-11-01.

Conditions:
Kabuki syndrome 1 (KABUK1). Also called: KMT2D-Related Kabuki Syndrome. Identifiers: Orphanet 2322, MedGen CN030661, MONDO:0007843, OMIM 147920.

Submissions (2):

Center for Human Genetics, Inc
Classification: Likely pathogenic for Kabuki syndrome 1. Last evaluated: 2016-11-01. Review status: criteria provided, single submitter. Criteria: ACMG Guidelines, 2015. Collection method: clinical testing. Allele origin: germline. Affected: yes.

Suma Genomics
Classification: Uncertain significance for Kabuki syndrome 1. Review status: criteria provided, single submitter. Criteria: ACMG Guidelines, 2015. Collection method: clinical testing. Allele origin: de novo. Inheritance: Autosomal dominant inheritance. Affected: yes. Observed: 1 heterozygote.
Comment: This variant is not observed in parents and the gnomAD database. ACMG classification: Variant of uncertain significance Criteria met: PM2_Supporting: Extremely low frequency in gnomAD population databases PM6: De novo in a patient with phenotype consistency, no family history and both maternity and paternity are assumed. PP1: Cosegregation PP3: Splice AI predicting this variant to be deleterious

NM_003482.4(KMT2D):c.4131G>A (p.Gln1377=)

Gene: KMT2D (lysine methyltransferase 2D; minus strand). Cytogenetic location: 12q13.12.
Variant type: single nucleotide variant.
Coding change: c.4131G>A on transcript NM_003482.4 (MANE Select); coding-DNA position 4131, G replaced by A.
Protein change: p.Gln1377=; no amino-acid change (glutamine 1377 retained).
Molecular consequence: synonymous variant.
Genome position (GRCh38, 1-based): chr12:49,048,659, C>T on the plus strand (G>A on the coding strand, the complement: KMT2D is on the minus strand). VCF-style: chr12-49048659-C-T. GRCh37 (hg19) VCF-style: chr12-49442442-C-T.
Identifiers: ClinVar variation 547418 (VCV000547418.2), dbSNP rs764942, ClinGen allele CA479514460.